The following is an entry in ClinVar:

ClinVar aggregate classification (germline): Uncertain significance (1 of 4 stars; one submission).

Conditions:
Familial cold autoinflammatory syndrome 3 (FCAS3). Also called: FAMILIAL ATYPICAL COLD URTICARIA; ANTIBODY DEFICIENCY AND IMMUNE DYSREGULATION, PLCG2-ASSOCIATED. Identifiers: Orphanet 300359, MedGen C3280914, MONDO:0013766, OMIM 614468.

gnomAD v4.1: 1 of 1,614,112 alleles (0.000062%); no homozygotes.

Submission:

Labcorp Genetics (formerly Invitae), Labcorp
Classification: Uncertain significance for Familial cold autoinflammatory syndrome 3. Last evaluated: 2024-03-28. Review status: criteria provided, single submitter. Criteria: Invitae Variant Classification Sherloc (09022015). Collection method: clinical testing. Allele origin: germline.
Comment: This sequence change replaces aspartic acid, which is acidic and polar, with asparagine, which is neutral and polar, at codon 81 of the PLCG2 protein (p.Asp81Asn). This variant is not present in population databases (gnomAD no frequency). This variant has not been reported in the literature in individuals affected with PLCG2-related conditions. An algorithm developed to predict the effect of missense changes on protein structure and function (PolyPhen-2) suggests that this variant is likely to be tolerated. In summary, the available evidence is currently insufficient to determine the role of this variant in disease. Therefore, it has been classified as a Variant of Uncertain Significance.

NM_002661.5(PLCG2):c.241G>A (p.Asp81Asn)

Gene: PLCG2 (phospholipase C gamma 2; plus strand). Cytogenetic location: 16q23.3.
Variant type: single nucleotide variant.
Coding change: c.241G>A on transcript NM_002661.5 (MANE Select); coding-DNA position 241, G replaced by A.
Protein change: p.Asp81Asn; replaces aspartic acid 81 with asparagine.
Molecular consequence: missense variant.
Genome position (GRCh38, 1-based): chr16:81,854,491, G>A. VCF-style: chr16-81854491-G-A. GRCh37 (hg19) VCF-style: chr16-81888096-G-A.
Other names: short protein forms D81N.
Identifiers: ClinVar variation 1421115 (VCV001421115.6), dbSNP rs2143474943, ClinGen allele CA396900543.